The following is an entry in ClinVar:

ClinVar aggregate classification (germline): Uncertain significance (1 of 4 stars; one submission).

Submission:

GeneDx
Classification: Uncertain significance. Last evaluated: 2017-07-06. Review status: criteria provided, single submitter. Criteria: GeneDx Variant Classification (06012015). Collection method: clinical testing. Allele origin: germline. Affected: yes.
Comment: The L566V variant in the SLC6A8 gene has not been reported previously as a pathogenic variant, nor as a benign variant, to our knowledge. The L566V variant is not observed in large population cohorts (Lek et al., 2016; 1000 Genomes Consortium et al., 2015; Exome Variant Server). The L566V variant is a conservative amino acid substitution, which is not likely to impact secondary protein structure as these residues share similar properties. This substitution occurs at a position where amino acids with similar properties to Leucine are tolerated across species. In silico analysis is inconsistent in its predictions as to whether or not the variant is damaging to the protein structure/function. We interpret L566V as a variant of uncertain significance.

NM_005629.4(SLC6A8):c.1696C>G (p.Leu566Val)

Gene: SLC6A8 (solute carrier family 6 member 8; plus strand). Cytogenetic location: Xq28.
Variant type: single nucleotide variant.
Coding change: c.1696C>G on transcript NM_005629.4 (MANE Select); coding-DNA position 1696, C replaced by G.
Protein change: p.Leu566Val; replaces leucine 566 with valine.
Molecular consequence: missense variant.
Genome position (GRCh38, 1-based): chrX:153,694,818, C>G. VCF-style: chrX-153694818-C-G. GRCh37 (hg19) VCF-style: chrX-152960273-C-G.
Other names: c.1666C>G, p.Leu556Val (NM_001142805.2); c.1351C>G, p.Leu451Val (NM_001142806.1); short protein forms L566V, L556V, L451V.
Identifiers: ClinVar variation 450385 (VCV000450385.2), dbSNP rs1557045724, ClinGen allele CA415090878.